The following is an entry in ClinVar:

NM_001178015.2(SLC4A10):c.1321C>T (p.Pro441Ser)

Gene: SLC4A10 (solute carrier family 4 member 10; plus strand). Cytogenetic location: 2q24.2.
Variant type: single nucleotide variant.
Coding change: c.1321C>T on transcript NM_001178015.2 (MANE Select); coding-DNA position 1321, C replaced by T.
Protein change: p.Pro441Ser; replaces proline 441 with serine.
Molecular consequence: missense variant.
Genome position (GRCh38, 1-based): chr2:161,894,805, C>T. VCF-style: chr2-161894805-C-T. GRCh37 (hg19) VCF-style: chr2-162751315-C-T.
Other names: c.1264C>T, p.Pro422Ser (NM_001178016.2, NM_001354445.2); c.1321C>T, p.Pro441Ser (NM_001354440.2); c.1354C>T, p.Pro452Ser (NM_001354441.2, NM_001354442.2); c.1267C>T, p.Pro423Ser (NM_001354443.2, NM_001354447.2); c.1318C>T, p.Pro440Ser (NM_001354444.2); c.1231C>T, p.Pro411Ser (NM_001354446.2, NM_001354450.2, NM_022058.4); c.1261C>T, p.Pro421Ser (NM_001354448.2); c.1228C>T, p.Pro410Ser (NM_001354449.2, NM_001354451.2); and 3 more; short protein forms P218S, P362S, P410S, P411S, P421S, P422S, P423S, P440S.
Identifiers: ClinVar variation 3342959 (VCV003342959.1).
Genomic context (GRCh38, chr2:161,894,805, plus strand): 5'-CTGGATCAGGTTACTGTTCTCCCTCCTGGAGAATGGGATCCAAGCATTCGAATAGAGCCT[C>T]CCAAAAATGTTCCTTCCCAGGTATGTATATTTGAAGACATTCTTTGAAATTGAATTTTTT-3'
Protein context (NP_001171486.1, residues 431-451): EWDPSIRIEP[Pro441Ser]KNVPSQEKRK

ClinVar aggregate classification (germline): Uncertain significance (1 of 4 stars; one submission).

Submission:

GeneDx
Classification: Uncertain significance. Last evaluated: 2023-04-06. Review status: criteria provided, single submitter. Criteria: GeneDx Variant Classification Process June 2021. Collection method: clinical testing. Allele origin: germline. Affected: yes.
Comment: Not observed at significant frequency in large population cohorts (gnomAD); In silico analysis supports that this missense variant has a deleterious effect on protein structure/function; Has not been previously published as pathogenic or benign to our knowledge; Variants in candidate genes are classified as variants of uncertain significance in accordance with ACMG guidelines (Richards et al., 2015)